The following is an entry in ClinVar:

NM_001160148.2(DDHD1):c.2051T>C (p.Ile684Thr)

Gene: DDHD1 (DDHD domain containing 1; minus strand). Cytogenetic location: 14q22.1.
Variant type: single nucleotide variant.
Coding change: c.2051T>C on transcript NM_001160148.2 (MANE Select); coding-DNA position 2051, T replaced by C.
Protein change: p.Ile684Thr; replaces isoleucine 684 with threonine.
Molecular consequence: missense variant.
Genome position (GRCh38, 1-based): chr14:53,055,854, A>G on the plus strand (T>C on the coding strand, the complement: DDHD1 is on the minus strand). VCF-style: chr14-53055854-A-G. GRCh37 (hg19) VCF-style: chr14-53522572-A-G.
Other names: c.2072T>C, p.Ile691Thr (NM_001160147.2); c.2051T>C, p.Ile684Thr (NM_030637.3); short protein forms I684T, I691T.
Identifiers: ClinVar variation 2154658 (VCV002154658.2), dbSNP rs761865065, ClinGen allele CA7191054.

ClinVar aggregate classification (germline): Uncertain significance (1 of 4 stars; one submission).

Conditions:
Hereditary spastic paraplegia 28. Also called: Spastic paraplegia 28, autosomal recessive. Identifiers: Orphanet 101008, MedGen C1836295, MONDO:0012256, OMIM 609340.

Allele frequency attached by ClinVar (database versions not stated): ExAC 0.00001; gnomAD 0.00001.
gnomAD v4.1: 1 of 1,613,618 alleles (0.000062%); highest among the groups gnomAD compares: Admixed American, 0.0017%; no homozygotes.

Submission:

Labcorp Genetics (formerly Invitae), Labcorp
Classification: Uncertain significance for Hereditary spastic paraplegia 28. Last evaluated: 2022-05-15. Review status: criteria provided, single submitter. Criteria: Invitae Variant Classification Sherloc (09022015). Collection method: clinical testing. Allele origin: germline.
Comment: In summary, the available evidence is currently insufficient to determine the role of this variant in disease. Therefore, it has been classified as a Variant of Uncertain Significance. Algorithms developed to predict the effect of missense changes on protein structure and function are either unavailable or do not agree on the potential impact of this missense change (SIFT: "Deleterious"; PolyPhen-2: "Probably Damaging"; Align-GVGD: "Class C0"). This variant has not been reported in the literature in individuals affected with DDHD1-related conditions. This variant is present in population databases (rs761865065, gnomAD 0.006%). This sequence change replaces isoleucine, which is neutral and non-polar, with threonine, which is neutral and polar, at codon 691 of the DDHD1 protein (p.Ile691Thr).